The following is an entry in ClinVar:

NM_000751.3(CHRND):c.859G>T (p.Ala287Ser)

Gene: CHRND (cholinergic receptor nicotinic delta subunit; plus strand). Cytogenetic location: 2q37.1.
Variant type: single nucleotide variant.
Coding change: c.859G>T on transcript NM_000751.3 (MANE Select); coding-DNA position 859, G replaced by T.
Protein change: p.Ala287Ser; replaces alanine 287 with serine.
Molecular consequence: missense variant.
Genome position (GRCh38, 1-based): chr2:232,531,390, G>T. VCF-style: chr2-232531390-G-T. GRCh37 (hg19) VCF-style: chr2-233396100-G-T.
Other names: c.814G>T, p.Ala272Ser (NM_001256657.2); c.277G>T, p.Ala93Ser (NM_001311195.2); c.556G>T, p.Ala186Ser (NM_001311196.2); short protein forms A186S, A272S, A287S, A93S.
Identifiers: ClinVar variation 1014887 (VCV001014887.8), dbSNP rs1691690683, ClinGen allele CA351002484.

ClinVar aggregate classification (germline): Uncertain significance (1 of 4 stars; one submission).

Conditions:
Lethal multiple pterygium syndrome (LMPS). Identifiers: Orphanet 33108, MedGen C1854678, MONDO:0009668, OMIM 253290.

Allele frequency attached by ClinVar (database versions not stated): gnomAD exomes 0.00001.
gnomAD v4.1: 7 of 1,613,864 alleles (0.00043%); highest among the groups gnomAD compares: Non-Finnish European, 0.00059%; no homozygotes.

Submission:

Labcorp Genetics (formerly Invitae), Labcorp
Classification: Uncertain significance for Lethal multiple pterygium syndrome. Last evaluated: 2020-01-23. Review status: criteria provided, single submitter. Criteria: Invitae Variant Classification Sherloc (09022015). Collection method: clinical testing. Allele origin: germline.
Comment: In summary, the available evidence is currently insufficient to determine the role of this variant in disease. Therefore, it has been classified as a Variant of Uncertain Significance. Algorithms developed to predict the effect of missense changes on protein structure and function are either unavailable or do not agree on the potential impact of this missense change (SIFT: "Tolerated"; PolyPhen-2: "Probably Damaging"; Align-GVGD: "Class C0"). This variant has not been reported in the literature in individuals with CHRND-related conditions. This variant is not present in population databases (ExAC no frequency). This sequence change replaces alanine with serine at codon 287 of the CHRND protein (p.Ala287Ser). The alanine residue is highly conserved and there is a moderate physicochemical difference between alanine and serine.